The following is an entry in ClinVar:

NM_001378414.1(HDAC4):c.3228G>C (p.Lys1076Asn)

Gene: HDAC4 (histone deacetylase 4; minus strand). Cytogenetic location: 2q37.3.
Variant type: single nucleotide variant.
Coding change: c.3228G>C on transcript NM_001378414.1 (MANE Select); coding-DNA position 3228, G replaced by C.
Protein change: p.Lys1076Asn; replaces lysine 1076 with asparagine.
Molecular consequence: missense variant.
Genome position (GRCh38, 1-based): chr2:239,053,462, C>G on the plus strand (G>C on the coding strand, the complement: HDAC4 is on the minus strand). VCF-style: chr2-239053462-C-G. GRCh37 (hg19) VCF-style: chr2-239975158-C-G.
Other names: c.3228G>C, p.Lys1076Asn (NM_001378415.1); c.3213G>C, p.Lys1071Asn (NM_001378416.1, NM_001378417.1, NM_006037.4); c.3147G>C, p.Lys1049Asn (NM_001435991.1, NM_001435992.1); c.3069G>C, p.Lys1023Asn (NM_001435993.1); short protein forms K1023N, K1049N, K1071N, K1076N.
Identifiers: ClinVar variation 5021058 (VCV005021058.1).

ClinVar aggregate classification (germline): Uncertain significance (1 of 4 stars; one submission).

Submission:

Dasa
Classification: Uncertain significance. Last evaluated: 2024-10-31. Review status: criteria provided, single submitter. Criteria: DASA Assertion Criteria. Collection method: clinical testing. Allele origin: germline.
Comment: NM_001378414.1(HDAC4):c.3228G>C (p.Lys1076Asn) is a missense variant that results in the substitution of lysine with asparagine. This variant is absent from population databases. Computational prediction algorithms are consistent with a benign effect. The currently available literature and clinical evidence are not sufficient to establish a definitive association between this variant and the reported condition. Therefore, this variant is classified as a variant of uncertain significance.